The following is an entry in ClinVar:

NM_000443.4(ABCB4):c.3486+1G>C

Gene: ABCB4 (ATP binding cassette subfamily B member 4; minus strand). Cytogenetic location: 7q21.12.
Variant type: single nucleotide variant.
Coding change: c.3486+1G>C on transcript NM_000443.4 (MANE Select); the canonical splice donor site of the intron after coding-DNA position 3486, G replaced by C.
Molecular consequence: splice donor variant.
Genome position (GRCh38, 1-based): chr7:87,406,287, C>G on the plus strand (G>C on the coding strand, the complement: ABCB4 is on the minus strand). VCF-style: chr7-87406287-C-G. GRCh37 (hg19) VCF-style: chr7-87035603-C-G.
Other names: c.3345+1G>C (NM_018850.3); c.3507+1G>C (NM_018849.3).
Identifiers: ClinVar variation 3061380 (VCV003061380.2), dbSNP rs764513998, ClinGen allele CA4326759.

ClinVar aggregate classification (germline): Likely pathogenic (0 of 4 stars; one submission).

Conditions:
ABCB4-related disorder. Also called: ABCB4-related disorders; ABCB4-related condition.

Allele frequency attached by ClinVar (database versions not stated): ExAC 0.00001.

Submission:

PreventionGenetics, part of Exact Sciences
Classification: Likely pathogenic for ABCB4-related condition. Last evaluated: 2024-02-15. Review status: no assertion criteria provided. Collection method: clinical testing. Allele origin: germline.
Comment: The ABCB4 c.3486+1G>C variant is predicted to disrupt the GT donor site and interfere with normal splicing. To our knowledge, this variant has not been reported in the literature. This variant is reported in 0.0033% of alleles in individuals of South Asian descent in gnomAD. Another variant affecting the same splice donor site, c.3486+1G>A, has been reported in the homozygous state in a pediatric patient with advanced cholestatic liver disease (reported as c.3345+1G>A in Table 1, Shagrani M et al. 2017. PubMed ID: 28039895). Variants that disrupt the consensus splice donor site in ABCB4 are expected to be pathogenic. This variant is interpreted as likely pathogenic.